The following is an entry in ClinVar:

NM_000530.8(MPZ):c.646-5C>G

Gene: MPZ (myelin protein zero; minus strand). Cytogenetic location: 1q23.3.
Variant type: single nucleotide variant.
Coding change: c.646-5C>G on transcript NM_000530.8 (MANE Select); 5 bases into the intron before coding-DNA position 646, C replaced by G.
Molecular consequence: intron variant.
Genome position (GRCh38, 1-based): chr1:161,305,982, G>C on the plus strand (C>G on the coding strand, the complement: MPZ is on the minus strand). VCF-style: chr1-161305982-G-C. GRCh37 (hg19) VCF-style: chr1-161275772-G-C.
Other names: c.646-5C>G (LRG_256t1, NM_001315491.2).
Identifiers: ClinVar variation 643350 (VCV000643350.9), dbSNP rs201115971, ClinGen allele CA31667825.

ClinVar aggregate classification (germline): Conflicting classifications of pathogenicity. Review status: criteria provided, conflicting classifications (1 of 4 stars). 2 submissions from 2 submitters: Uncertain significance (1); Likely benign (1). Last evaluated 2022-12-19.

Conditions:
Charcot-Marie-Tooth disease, type I (CMT1). Also called: Charcot-Marie-Tooth, Type 1; Charcot-Marie-Tooth disease type 1. Identifiers: Orphanet 65753, MedGen C0751036, MONDO:0019011.
Inborn genetic diseases. Identifiers: MedGen C0950123, MeSH D030342.

gnomAD v4.1: 4 of 1,613,766 alleles (0.00025%); highest among the groups gnomAD compares: Non-Finnish European, 0.000085%; no homozygotes.

Submissions (2):

Ambry Genetics
Classification: Uncertain significance for Inborn genetic diseases. Last evaluated: 2022-12-19. Review status: criteria provided, single submitter. Criteria: Ambry Variant Classification Scheme 2023. Collection method: clinical testing. Allele origin: germline.
Comment: The c.646-5C>G intronic alteration consists of a C to G substitution 5 nucleotides before coding exon 6 in the MPZ gene. Based on insufficient or conflicting evidence, the clinical significance of this alteration remains unclear.

Labcorp Genetics (formerly Invitae), Labcorp
Classification: Likely benign for Charcot-Marie-Tooth disease, type I. Last evaluated: 2022-07-12. Review status: criteria provided, single submitter. Criteria: Invitae Variant Classification Sherloc (09022015). Collection method: clinical testing. Allele origin: germline.